The following is an entry in ClinVar:

NM_003640.5(ELP1):c.3059C>A (p.Ser1020Ter)

Gene: ELP1 (elongator acetyltransferase complex subunit 1; minus strand). Cytogenetic location: 9q31.3.
Variant type: single nucleotide variant.
Coding change: c.3059C>A on transcript NM_003640.5 (MANE Select); coding-DNA position 3059, C replaced by A.
Protein change: p.Ser1020Ter; replaces serine 1020 with a stop codon.
Molecular consequence: nonsense.
Genome position (GRCh38, 1-based): chr9:108,891,304, G>T on the plus strand (C>A on the coding strand, the complement: ELP1 is on the minus strand). VCF-style: chr9-108891304-G-T. GRCh37 (hg19) VCF-style: chr9-111653584-G-T.
Other names: c.2717C>A, p.Ser906Ter (NM_001318360.2); c.2012C>A, p.Ser671Ter (NM_001330749.2); short protein forms S1020*, S671*, S906*.
Identifiers: ClinVar variation 2705505 (VCV002705505.3), dbSNP rs1828323093, ClinGen allele CA374416868.

ClinVar aggregate classification (germline): Pathogenic (1 of 4 stars; one submission).

Submission:

Labcorp Genetics (formerly Invitae), Labcorp
Classification: Pathogenic. Last evaluated: 2023-12-25. Review status: criteria provided, single submitter. Criteria: Invitae Variant Classification Sherloc (09022015). Collection method: clinical testing. Allele origin: germline.
Comment: This sequence change creates a premature translational stop signal (p.Ser1020*) in the ELP1 gene. It is expected to result in an absent or disrupted protein product. Loss-of-function variants in ELP1 are known to be pathogenic (PMID: 18303054, 24173031). This variant is not present in population databases (gnomAD no frequency). This variant has not been reported in the literature in individuals affected with ELP1-related conditions. For these reasons, this variant has been classified as Pathogenic.

Literature cited by the submitters: PubMed 18303054; PubMed 24173031.